The following is an entry in ClinVar:

NM_004519.4(KCNQ3):c.2093G>A (p.Ser698Asn)

Gene: KCNQ3 (potassium voltage-gated channel subfamily Q member 3; minus strand). Cytogenetic location: 8q24.22.
Variant type: single nucleotide variant.
Coding change: c.2093G>A on transcript NM_004519.4 (MANE Select); coding-DNA position 2093, G replaced by A.
Protein change: p.Ser698Asn; replaces serine 698 with asparagine.
Molecular consequence: missense variant.
Genome position (GRCh38, 1-based): chr8:132,129,788, C>T on the plus strand (G>A on the coding strand, the complement: KCNQ3 is on the minus strand). VCF-style: chr8-132129788-C-T. GRCh37 (hg19) VCF-style: chr8-133142035-C-T.
Other names: c.1733G>A, p.Ser578Asn (NM_001204824.2); short protein forms S578N, S698N.
Identifiers: ClinVar variation 1308484 (VCV001308484.10), dbSNP rs1824804011, ClinGen allele CA372216963.

ClinVar aggregate classification (germline): Uncertain significance. Review status: criteria provided, multiple submitters, no conflicts (2 of 4 stars). 3 submissions from 3 submitters: Uncertain significance (3). Last evaluated 2022-09-20.

Conditions:
Inborn genetic diseases. Identifiers: MedGen C0950123, MeSH D030342.
Benign neonatal seizures. Also called: Convulsions benign familial neonatal dominant form; Autosomal dominant form of benign neonatal seizures; Benign neonatal familial convulsions; Benign familial neonatal seizures; Benign familial neonatal epilepsy. Identifiers: Orphanet 1949, MedGen C0220669, MONDO:0016027.

Allele frequency attached by ClinVar (database versions not stated): TOPMed 0.00001.

Submissions (3):

Labcorp Genetics (formerly Invitae), Labcorp
Classification: Uncertain significance for Benign neonatal seizures. Last evaluated: 2022-09-20. Review status: criteria provided, single submitter. Criteria: Invitae Variant Classification Sherloc (09022015). Collection method: clinical testing. Allele origin: germline.
Comment: This sequence change replaces serine, which is neutral and polar, with asparagine, which is neutral and polar, at codon 698 of the KCNQ3 protein (p.Ser698Asn). In summary, the available evidence is currently insufficient to determine the role of this variant in disease. Therefore, it has been classified as a Variant of Uncertain Significance. Advanced modeling of protein sequence and biophysical properties (such as structural, functional, and spatial information, amino acid conservation, physicochemical variation, residue mobility, and thermodynamic stability) performed at Invitae indicates that this missense variant is not expected to disrupt KCNQ3 protein function. ClinVar contains an entry for this variant (Variation ID: 1308484). This variant has not been reported in the literature in individuals affected with KCNQ3-related conditions. This variant is not present in population databases (gnomAD no frequency).

Ambry Genetics
Classification: Uncertain significance for Inborn genetic diseases. Last evaluated: 2021-07-20. Review status: criteria provided, single submitter. Criteria: Ambry Variant Classification Scheme 2023. Collection method: clinical testing. Allele origin: germline.

GeneDx
Classification: Uncertain significance. Last evaluated: 2019-04-02. Review status: criteria provided, single submitter. Criteria: GeneDx Variant Classification Process June 2021. Collection method: clinical testing. Allele origin: germline. Affected: yes.
Comment: Not observed in large population cohorts (Lek et al., 2016); In silico analysis, which includes protein predictors and evolutionary conservation, supports that this variant does not alter protein structure/function; Has not been previously published as pathogenic or benign to our knowledge